The following is an entry in ClinVar:

ClinVar aggregate classification (germline): Uncertain significance (1 of 4 stars; one submission).

Conditions:
Inborn genetic diseases. Identifiers: MedGen C0950123, MeSH D030342.

gnomAD v4.1: 1 of 1,312,264 alleles (0.000076%); highest among the groups gnomAD compares: South Asian, 0.002%; no homozygotes.

Submission:

Ambry Genetics
Classification: Uncertain significance for Inborn genetic diseases. Last evaluated: 2025-02-13. Review status: criteria provided, single submitter. Criteria: Ambry Variant Classification Scheme 2023. Collection method: clinical testing. Allele origin: germline.
Comment: The p.R10L variant (also known as c.29G>T), located in coding exon 1 of the RECQL4 gene, results from a G to T substitution at nucleotide position 29. The arginine at codon 10 is replaced by leucine, an amino acid with dissimilar properties. This amino acid position is conserved. In addition, this alteration is predicted to be tolerated by in silico analysis. Based on the available evidence, the clinical significance of this variant remains unclear.

NM_004260.4(RECQL4):c.29G>T (p.Arg10Leu)

Genes: RECQL4 (RecQ like helicase 4; minus strand), LOC130001411 (ATAC-STARR-seq lymphoblastoid silent region 19699; plus strand). Cytogenetic location: 8q24.3.
Variant type: single nucleotide variant.
Coding change: c.29G>T on transcript NM_004260.4 (MANE Select); coding-DNA position 29, G replaced by T.
Protein change: p.Arg10Leu; replaces arginine 10 with leucine.
Molecular consequence: missense variant. On other transcripts: 5 prime UTR variant (17), non-coding transcript variant (3).
Genome position (GRCh38, 1-based): chr8:144,517,756, C>A on the plus strand (G>T on the coding strand, the complement: RECQL4 is on the minus strand). VCF-style: chr8-144517756-C-A. GRCh37 (hg19) VCF-style: chr8-145743140-C-A.
Other names: c.29G>T, p.Arg10Leu (NM_001413017.1, NM_001413018.1, NM_001413019.1 and 6 more transcripts); c.-757G>T (NM_001413021.1); c.-1108G>T (NM_001413022.1, NM_001413023.1, NM_001413037.1 and 2 more transcripts); c.-1005G>T (NM_001413024.1); c.-1105G>T (NM_001413027.1); c.-833G>T (NM_001413028.1); c.-1170G>T (NM_001413030.1, NM_001413031.1, NM_001413041.1); c.-1002G>T (NM_001413032.1); and 4 more; short protein forms R10L.
Identifiers: ClinVar variation 3788039 (VCV003788039.1).